The following is an entry in ClinVar:

NM_000307.5(POU3F4):c.359C>A (p.Pro120Gln)

Gene: POU3F4 (POU class 3 homeobox 4; plus strand). Cytogenetic location: Xq21.1.
Variant type: single nucleotide variant.
Coding change: c.359C>A on transcript NM_000307.5 (MANE Select); coding-DNA position 359, C replaced by A.
Protein change: p.Pro120Gln; replaces proline 120 with glutamine.
Molecular consequence: missense variant.
Genome position (GRCh38, 1-based): chrX:83,508,683, C>A. VCF-style: chrX-83508683-C-A. GRCh37 (hg19) VCF-style: chrX-82763691-C-A.
Other names: c.359C>A (NM_000307.3); short protein forms P120Q.
Identifiers: ClinVar variation 2682205 (VCV002682205.8), dbSNP rs765593474, ClinGen allele CA10462763.

ClinVar aggregate classification (germline): Conflicting classifications of pathogenicity. Review status: criteria provided, conflicting classifications (1 of 4 stars). 4 submissions from 4 submitters: Uncertain significance (2); Benign (1). 1 of the submissions does not count toward it. Last evaluated 2025-12-23.

Conditions:
Inborn genetic diseases. Identifiers: MedGen C0950123, MeSH D030342.
POU3F4-related disorder. Also called: POU3F4-related condition.

Allele frequency attached by ClinVar (database versions not stated): gnomAD 0.00023; 1000 Genomes Project 0.00026; ExAC 0.00001; gnomAD exomes 0.00002; 1000 Genomes Project 30x 0.00021; TOPMed 0.00050.

Submissions (4):

Labcorp Genetics (formerly Invitae), Labcorp
Classification: Benign. Last evaluated: 2025-12-23. Review status: criteria provided, single submitter. Criteria: Invitae Variant Classification Sherloc (09022015). Collection method: clinical testing. Allele origin: germline.

Ambry Genetics
Classification: Uncertain significance for Inborn genetic diseases. Last evaluated: 2025-02-12. Review status: criteria provided, single submitter. Criteria: Ambry Variant Classification Scheme 2023. Collection method: clinical testing. Allele origin: germline.

Women's Health and Genetics/Laboratory Corporation of America, LabCorp
Classification: Uncertain significance. Last evaluated: 2023-11-21. Review status: criteria provided, single submitter. Criteria: LabCorp Variant Classification Summary - May 2015. Collection method: clinical testing. Allele origin: germline.
Comment: Variant summary: POU3F4 c.359C>A (p.Pro120Gln) results in a non-conservative amino acid change located in the POU-specific domain (IPR000327) of the encoded protein sequence. Four of five in-silico tools predict a benign effect of the variant on protein function. The variant allele was found at a frequency of 2.2e-05 in 178362 control chromosomes (gnomAD). The available data on variant occurrences in the general population are insufficient to allow any conclusion about variant significance. To our knowledge, no occurrence of c.359C>A in individuals affected with Nonsyndromic Hearing Loss And Deafness, X-Linked 2 and no experimental evidence demonstrating its impact on protein function have been reported. No submitters have cited clinical-significance assessments for this variant to ClinVar after 2014. Based on the evidence outlined above, the variant was classified as uncertain significance.

PreventionGenetics, part of Exact Sciences
Classification: Likely benign for POU3F4-related condition. Last evaluated: 2023-06-22. Review status: no assertion criteria provided. Collection method: clinical testing. Allele origin: germline. Not counted in ClinVar's aggregate classification.
Comment: This variant is classified as likely benign based on ACMG/AMP sequence variant interpretation guidelines (Richards et al. 2015 PMID: 25741868, with internal and published modifications).